The following is an entry in ClinVar:

ClinVar aggregate classification (germline): Uncertain significance (1 of 4 stars; one submission).

Conditions:
Acute myeloid leukemia (AML). Also called: Acute myeloid leukemia, adult; AML adult; Acute non-lymphocytic leukemia; Acute granulocytic leukemia; Leukemia, acute myeloid, somatic; Leukemia, acute myelogenous, somatic. Identifiers: Orphanet 519, MedGen C0023467, MeSH D015470, MONDO:0018874, OMIM 601626, HP:0004808. Disease mechanism: Constitutively activated FLT3.

Submission:

Labcorp Genetics (formerly Invitae), Labcorp
Classification: Uncertain significance for Acute myeloid leukemia. Last evaluated: 2023-02-10. Review status: criteria provided, single submitter. Criteria: Invitae Variant Classification Sherloc (09022015). Collection method: clinical testing. Allele origin: germline.
Comment: This sequence change replaces serine, which is neutral and polar, with arginine, which is basic and polar, at codon 282 of the CEBPA protein (p.Ser282Arg). This variant is not present in population databases (gnomAD no frequency). This variant has not been reported in the literature in individuals affected with CEBPA-related conditions. Advanced modeling of protein sequence and biophysical properties (such as structural, functional, and spatial information, amino acid conservation, physicochemical variation, residue mobility, and thermodynamic stability) performed at Invitae indicates that this missense variant is expected to disrupt CEBPA protein function. In summary, the available evidence is currently insufficient to determine the role of this variant in disease. Therefore, it has been classified as a Variant of Uncertain Significance.

NM_004364.5(CEBPA):c.844A>C (p.Ser282Arg)

Gene: CEBPA (CCAAT enhancer binding protein alpha; minus strand). Cytogenetic location: 19q13.11.
Variant type: single nucleotide variant.
Coding change: c.844A>C on transcript NM_004364.5 (MANE Select); coding-DNA position 844, A replaced by C.
Protein change: p.Ser282Arg; replaces serine 282 with arginine.
Molecular consequence: missense variant.
Genome position (GRCh38, 1-based): chr19:33,301,571, T>G on the plus strand (A>C on the coding strand, the complement: CEBPA is on the minus strand). VCF-style: chr19-33301571-T-G. GRCh37 (hg19) VCF-style: chr19-33792477-T-G.
Other names: c.487A>C, p.Ser163Arg (NM_001285829.2); c.949A>C, p.Ser317Arg (NM_001287424.2); c.802A>C, p.Ser268Arg (NM_001287435.2); short protein forms S163R, S282R, S268R, S317R.
Identifiers: ClinVar variation 2835999 (VCV002835999.3), dbSNP rs2513328869, ClinGen allele CA405274093.